The following is an entry in ClinVar:

NM_001384140.1(PCDH15):c.3010-1G>C

Gene: PCDH15 (protocadherin related 15; minus strand). Cytogenetic location: 10q21.1.
Variant type: single nucleotide variant.
Coding change: c.3010-1G>C on transcript NM_001384140.1 (MANE Select); the canonical splice acceptor site of the intron before coding-DNA position 3010, G replaced by C.
Molecular consequence: splice acceptor variant.
Genome position (GRCh38, 1-based): chr10:53,959,845, C>G on the plus strand (G>C on the coding strand, the complement: PCDH15 is on the minus strand). VCF-style: chr10-53959845-C-G. GRCh37 (hg19) VCF-style: chr10-55719605-C-G.
Other names: c.2944-1G>C (NM_001354404.2, NM_001142773.2, NM_001142768.2); c.2899-1G>C (NM_001142767.2); c.2797-1G>C (NM_001142765.2); c.3010-1G>C (NM_001142766.2, NM_033056.4, NM_001142764.2 and 4 more transcripts); c.3025-1G>C (NM_001142763.2, NM_001142771.2); c.3031-1G>C (NM_001354411.2); c.3046-1G>C (NM_001142769.3).
Identifiers: ClinVar variation 1524179 (VCV001524179.9), dbSNP rs2134277047, ClinGen allele CA376521173.

ClinVar aggregate classification (germline): Likely pathogenic. Review status: criteria provided, multiple submitters, no conflicts (2 of 4 stars). 2 submissions from 2 submitters: Likely pathogenic (2). Last evaluated 2023-08-25.

Conditions:
Autosomal recessive nonsyndromic hearing loss 23. Identifiers: Orphanet 90636, MedGen C1836027, MONDO:0012293, OMIM 609533.

Submissions (2):

Baylor Genetics
Classification: Likely pathogenic for Autosomal recessive nonsyndromic hearing loss 23. Last evaluated: 2023-08-25. Review status: criteria provided, single submitter. Criteria: ACMG Guidelines, 2015. Collection method: clinical testing. Allele origin: unknown.

Labcorp Genetics (formerly Invitae), Labcorp
Classification: Likely pathogenic. Last evaluated: 2021-04-22. Review status: criteria provided, single submitter. Criteria: Invitae Variant Classification Sherloc (09022015). Collection method: clinical testing. Allele origin: germline.
Comment: In summary, the currently available evidence indicates that the variant is pathogenic, but additional data are needed to prove that conclusively. Therefore, this variant has been classified as Likely Pathogenic. Algorithms developed to predict the effect of sequence changes on RNA splicing suggest that this variant may disrupt the consensus splice site, but this prediction has not been confirmed by published transcriptional studies. This variant has not been reported in the literature in individuals with PCDH15-related conditions. This variant is not present in population databases (ExAC no frequency). This sequence change affects an acceptor splice site in intron 22 of the PCDH15 gene. It is expected to disrupt RNA splicing. Variants that disrupt the donor or acceptor splice site typically lead to a loss of protein function (PMID: 16199547), and loss-of-function variants in PCDH15 are known to be pathogenic (PMID: 11398101, 11487575, 14570705).

Literature cited by the submitters: PubMed 16199547 (cited by Labcorp Genetics (formerly Invitae), Labcorp); PubMed 11398101 (cited by Labcorp Genetics (formerly Invitae), Labcorp); PubMed 11487575 (cited by Labcorp Genetics (formerly Invitae), Labcorp); PubMed 14570705 (cited by Labcorp Genetics (formerly Invitae), Labcorp).